The following is an entry in ClinVar:

ClinVar aggregate classification (germline): Uncertain significance (1 of 4 stars; one submission).

Allele frequency attached by ClinVar (database versions not stated): gnomAD 0.00001; TOPMed 0.00001.
gnomAD v4.1: 24 of 1,614,078 alleles (0.0015%); highest among the groups gnomAD compares: Admixed American, 0.0033%; no homozygotes.

Submission:

Labcorp Genetics (formerly Invitae), Labcorp
Classification: Uncertain significance. Last evaluated: 2022-07-19. Review status: criteria provided, single submitter. Criteria: Invitae Variant Classification Sherloc (09022015). Collection method: clinical testing. Allele origin: germline.
Comment: This sequence change replaces valine, which is neutral and non-polar, with isoleucine, which is neutral and non-polar, at codon 441 of the KIAA0556 protein (p.Val441Ile). This variant is present in population databases (no rsID available, gnomAD 0.006%). This variant has not been reported in the literature in individuals affected with KIAA0556-related conditions. Algorithms developed to predict the effect of missense changes on protein structure and function output the following: SIFT: "Tolerated"; PolyPhen-2: "Benign"; Align-GVGD: "Class C0". The isoleucine amino acid residue is found in multiple mammalian species, which suggests that this missense change does not adversely affect protein function. In summary, the available evidence is currently insufficient to determine the role of this variant in disease. Therefore, it has been classified as a Variant of Uncertain Significance.

NM_015202.5(KATNIP):c.1321G>A (p.Val441Ile)

Gene: KATNIP (katanin interacting protein; plus strand). Cytogenetic location: 16p12.1.
Variant type: single nucleotide variant.
Coding change: c.1321G>A on transcript NM_015202.5 (MANE Select); coding-DNA position 1321, G replaced by A.
Protein change: p.Val441Ile; replaces valine 441 with isoleucine.
Molecular consequence: missense variant.
Genome position (GRCh38, 1-based): chr16:27,703,930, G>A. VCF-style: chr16-27703930-G-A. GRCh37 (hg19) VCF-style: chr16-27715251-G-A.
Other names: short protein forms V441I.
Identifiers: ClinVar variation 1968130 (VCV001968130.5), dbSNP rs760957442, ClinGen allele CA279726186.